The following is an entry in ClinVar:

ClinVar aggregate classification (germline): Benign/Likely benign. Review status: criteria provided, multiple submitters, no conflicts (2 of 4 stars). 6 submissions from 5 submitters: Benign (3); Likely benign (3). Last evaluated 2026-01-09.

Conditions:
ALS2-related disorder. Also called: ALS2-related condition; ALS2-related disorders; ALS2-Related Spectrum Disorders. Identifiers: MedGen CN169291.
Infantile-onset ascending hereditary spastic paralysis (IAHSP). Also called: Infantile-Onset Ascending Hereditary Spastic Paralysis (IAHSP); Autosomal Recessive Juvenile Amyotrophic Lateral Sclerosis. Identifiers: Orphanet 293168, MedGen C2931441, MONDO:0011797, OMIM 607225. Disease mechanism: loss of function.
Amyotrophic lateral sclerosis type 2, juvenile. Also called: ALS, JUVENILE; Amyotrophic lateral sclerosis type 2. Identifiers: Orphanet 300605, MedGen C1859807, MONDO:0008780, OMIM 205100.

Allele frequency attached by ClinVar (database versions not stated): gnomAD exomes 0.00072 and 0.00184; ExAC 0.00234; ESP Exome Variant Server 0.00630; gnomAD 0.00777 and 0.00827; TOPMed 0.00866; 1000 Genomes Project 0.01018; 1000 Genomes Project 30x 0.01031.
gnomAD v4.1: 2,275 of 1,606,698 alleles (0.14%); highest among the groups gnomAD compares: African/African-American, 2.7%; 33 homozygotes.

Submissions (6):

Labcorp Genetics (formerly Invitae), Labcorp
Classification: Benign for Infantile-onset ascending hereditary spastic paralysis. Last evaluated: 2026-01-09. Review status: criteria provided, single submitter. Criteria: Invitae Variant Classification Sherloc (09022015). Collection method: clinical testing. Allele origin: germline.

Mayo Clinic Laboratories, Mayo Clinic
Classification: Benign. Last evaluated: 2024-08-20. Review status: criteria provided, single submitter. Criteria: ACMG Guidelines, 2015. Collection method: clinical testing. Allele origin: germline. Observed: 8 variant alleles.
Comment: BS1, BS2, BP4, BP7

GeneDx
Classification: Likely benign. Last evaluated: 2021-01-30. Review status: criteria provided, single submitter. Criteria: GeneDx Variant Classification Process June 2021. Collection method: clinical testing. Allele origin: germline. Affected: yes.

Athena Diagnostics
Classification: Benign. Last evaluated: 2020-11-25. Review status: criteria provided, single submitter. Criteria: Athena Diagnostics criteria. Collection method: clinical testing. Allele origin: unknown.

Illumina Laboratory Services, Illumina
Classification: Likely benign for Amyotrophic lateral sclerosis type 2. Last evaluated: 2017-04-27. Review status: criteria provided, single submitter. Criteria: ICSL Variant Classification Criteria 13 December 2019. Collection method: clinical testing. Allele origin: germline.
Comment: This variant was observed as part of a predisposition screen in an ostensibly healthy population. A literature search was performed for the gene, cDNA change, and amino acid change (where applicable). No publications were found based on this search. Allele frequency data from public databases allowed determination this variant is unlikely to cause disease. Therefore, this variant is classified as likely benign.

Illumina Laboratory Services, Illumina
Classification: Likely benign for ALS2-Related Disorders. Last evaluated: 2017-04-27. Review status: criteria provided, single submitter. Criteria: ICSL Variant Classification Criteria 13 December 2019. Collection method: clinical testing. Allele origin: germline.
Comment: the same text as in the submission from Illumina Laboratory Services, Illumina above.

NM_020919.4(ALS2):c.4581-7A>G

Gene: ALS2 (alsin Rho guanine nucleotide exchange factor ALS2; minus strand). Cytogenetic location: 2q33.1.
Variant type: single nucleotide variant.
Coding change: c.4581-7A>G on transcript NM_020919.4 (MANE Select); 7 bases into the intron before coding-DNA position 4581, A replaced by G.
Molecular consequence: intron variant.
Genome position (GRCh38, 1-based): chr2:201,705,468, T>C on the plus strand (A>G on the coding strand, the complement: ALS2 is on the minus strand). VCF-style: chr2-201705468-T-C. GRCh37 (hg19) VCF-style: chr2-202570191-T-C.
Other names: p.?.
Identifiers: ClinVar variation 333584 (VCV000333584.20), dbSNP rs114458388, ClinGen allele CA2057531.
Genomic context (GRCh38, chr2:201,705,468, plus strand): 5'-TACTATACCTTTTTACTCTCTCCAAGGATTGACAAGGTTGCTGGCCAAAATTTCCTATAA[T>C]GGAATCCATAAATTATTAATATAAGTTGTTACTTATGGTAAACAAAATCCCATAAAAATA-3'